The following is an entry in ClinVar:

ClinVar aggregate classification (germline): Conflicting classifications of pathogenicity. Review status: criteria provided, conflicting classifications (1 of 4 stars). 3 submissions from 3 submitters: Uncertain significance (1); Likely benign (1). 1 of the submissions does not count toward it. Last evaluated 2023-03-23.

Conditions:
Breast-ovarian cancer, familial, susceptibility to, 1 (BROVCA1). Also called: BRCA1 Hereditary Breast and Ovarian Cancer; OVARIAN CANCER, SUSCEPTIBILITY TO. Identifiers: Orphanet 145, MedGen C2676676, MONDO:0011450, OMIM 604370. Disease mechanism: loss of function.
Hereditary breast ovarian cancer syndrome. Also called: Hereditary breast and ovarian cancer syndrome (HBOC); Breast and ovarian cancer; Hereditary breast and/or ovarian cancer syndrome; BRCA1- and BRCA2-Associated Hereditary Breast and Ovarian Cancer; Hereditary breast and ovarian cancer; Hereditary breast and ovarian cancer syndrome. Identifiers: Orphanet 145, MedGen C0677776, MeSH D061325, MONDO:0003582. Disease mechanism: loss of function.
Hereditary cancer-predisposing syndrome. Also called: Tumor predisposition; Neoplastic Syndromes, Hereditary; Hereditary Cancer Syndrome; Hereditary neoplastic syndrome. Identifiers: Orphanet 140162, MedGen C0027672, MeSH D009386, MONDO:0015356.

Submissions (3):

University of Washington Department of Laboratory Medicine, University of Washington
Classification: Likely benign for Hereditary cancer-predisposing syndrome. Last evaluated: 2023-03-23. Review status: criteria provided, single submitter. Criteria: Dines et al. (Genet Med. 2020). Collection method: curation. Allele origin: germline.
Comment: Missense variant in a coldspot region where missense variants are very unlikely to be pathogenic (PMID:31911673).

BRCA1 coldspot (exon 11 using historical exon numbering). Reclassification based on statistical prior probability

Labcorp Genetics (formerly Invitae), Labcorp
Classification: Uncertain significance for Hereditary breast ovarian cancer syndrome. Last evaluated: 2022-09-27. Review status: criteria provided, single submitter. Criteria: Invitae Variant Classification Sherloc (09022015). Collection method: clinical testing. Allele origin: germline.
Comment: Information on the frequency of this variant in the gnomAD database is not available, as this variant may be reported differently in the database. This sequence change replaces glycine, which is neutral and non-polar, with phenylalanine, which is neutral and non-polar, at codon 707 of the BRCA1 protein (p.Gly707Phe). In summary, the available evidence is currently insufficient to determine the role of this variant in disease. Therefore, it has been classified as a Variant of Uncertain Significance. Algorithms developed to predict the effect of missense changes on protein structure and function are either unavailable or do not agree on the potential impact of this missense change (SIFT: "Not Available"; PolyPhen-2: "Probably Damaging"; Align-GVGD: "Not Available"). This missense change has been observed in individual(s) with breast and/or ovarian cancer (PMID: 27062684).

Department of Medical and Surgical Sciences, University of Bologna
Classification: Likely benign for Breast-ovarian cancer, familial, susceptibility to, 1. Last evaluated: 2023-09-01. Review status: no assertion criteria provided. Collection method: clinical testing. Allele origin: germline. Affected: yes. Not counted in ClinVar's aggregate classification.
Comment: BP1(Strong) according to ACMG/AMP classification guidelines specified for BRCA1 & BRCA2 (Classification Criteria V1.0.0 2023-09-08) (PMID: 38160042)

Literature cited by the submitters: PubMed 27062684 (cited by Labcorp Genetics (formerly Invitae), Labcorp).

NM_007294.4(BRCA1):c.2119_2120delinsTT (p.Gly707Phe)

Gene: BRCA1 (BRCA1 DNA repair associated; minus strand). Cytogenetic location: 17q21.31.
Variant type: Indel.
Coding change: c.2119_2120delinsTT on transcript NM_007294.4 (MANE Select); coding-DNA positions 2119 to 2120, GG replaced by TT.
Protein change: p.Gly707Phe; replaces glycine 707 with phenylalanine.
Molecular consequence: missense variant. On other transcripts: intron variant (137).
Genome position (GRCh38, 1-based): chr17:43,093,411-43,093,412, CC replaced by AA on the plus strand (GG replaced by TT on the coding strand, the reverse complement: BRCA1 is on the minus strand). VCF-style: chr17-43093411-CC-AA. GRCh37 (hg19) VCF-style: chr17-41245428-CC-AA.
Other names: c.1978_1979delinsTT, p.Gly660Phe (NM_001407725.1, NM_001407726.1, NM_001407727.1 and 29 more transcripts); c.1975_1976delinsTT, p.Gly659Phe (NM_001407740.1, NM_001407741.1, NM_001407742.1 and 20 more transcripts); c.1996_1997delinsTT, p.Gly666Phe (NM_001407863.1, NM_001407664.1, NM_001407665.1 and 19 more transcripts); c.1915_1916delinsTT, p.Gly639Phe (NM_001407874.1, NM_001407875.1); c.1909_1910delinsTT, p.Gly637Phe (NM_001407879.1, NM_001407881.1, NM_001407882.1 and 13 more transcripts); c.1906_1907delinsTT, p.Gly636Phe (NM_001407915.1, NM_001407571.1, NM_001407853.1 and 9 more transcripts); c.1855_1856delinsTT, p.Gly619Phe (NM_001407926.1, NM_001407927.1, NM_001407928.1 and 9 more transcripts); c.1852_1853delinsTT, p.Gly618Phe (NM_001407930.1, NM_001407931.1, NM_001407932.1 and 2 more transcripts); and 41 more; short protein forms G595F, G596F, G707F, G539F, G580F, G618F, G636F, G637F.
Identifiers: ClinVar variation 2138042 (VCV002138042.7), dbSNP rs2552193481, ClinGen allele CA2580094085.